The following is an entry in ClinVar:

NM_002474.3(MYH11):c.4033C>T (p.Arg1345Trp)

Genes: MYH11 (myosin heavy chain 11; minus strand), NDE1 (nudE neurodevelopment protein 1; plus strand). Cytogenetic location: 16p13.11.
Variant type: single nucleotide variant.
Coding change: c.4033C>T on transcript NM_002474.3 (MANE Select); coding-DNA position 4033, C replaced by T.
Protein change: p.Arg1345Trp; replaces arginine 1345 with tryptophan.
Molecular consequence: missense variant. On other transcripts: 3 prime UTR variant (2).
Genome position (GRCh38, 1-based): chr16:15,724,730, G>A on the plus strand (C>T on the coding strand, the complement: MYH11 is on the minus strand). VCF-style: chr16-15724730-G-A. GRCh37 (hg19) VCF-style: chr16-15818587-G-A.
Other names: c.4054C>T, p.Arg1352Trp (NM_001040113.2, NM_001040114.2); c.4033C>T, p.Arg1345Trp (NM_022844.3); c.*479G>A (NM_001143979.2, NM_017668.3); short protein forms R1345W, R1352W.
Identifiers: ClinVar variation 3070682 (VCV003070682.2), dbSNP rs1378528408, ClinGen allele CA394858429.

ClinVar aggregate classification (germline): Uncertain significance. Review status: criteria provided, multiple submitters, no conflicts (2 of 4 stars). 2 submissions from 2 submitters: Uncertain significance (2). Last evaluated 2025-06-17.

Conditions:
Familial thoracic aortic aneurysm and aortic dissection (TAAD). Also called: Thoracic aortic aneurysms and dissections. Identifiers: Orphanet 91387, MedGen C4707243, MONDO:0019625.

gnomAD v4.1: 4 of 1,614,146 alleles (0.00025%); highest among the groups gnomAD compares: Admixed American, 0.0017%; no homozygotes.

Submissions (2):

Color Diagnostics, LLC DBA Color Health
Classification: Uncertain significance for Familial thoracic aortic aneurysm and aortic dissection. Last evaluated: 2025-06-17. Review status: criteria provided, single submitter. Criteria: ACMG Guidelines, 2015. Collection method: clinical testing. Allele origin: germline.
Comment: This missense variant replaces arginine with tryptophan at codon 1352 of the MYH11 protein. Computational prediction is inconclusive regarding the impact of this variant on protein structure and function. To our knowledge, functional studies have not been reported for this variant. This variant has not been reported in individuals affected with MYH11-related disorders in the literature. This variant has been identified in 1/250814 chromosomes in the general population by the Genome Aggregation Database (gnomAD). The available evidence is insufficient to determine the role of this variant in disease conclusively. Therefore, this variant is classified as a Variant of Uncertain Significance.

All of Us Research Program, National Institutes of Health
Classification: Uncertain significance for Familial thoracic aortic aneurysm and aortic dissection. Last evaluated: 2023-05-04. Review status: criteria provided, single submitter. Criteria: ACMG Guidelines, 2015. Collection method: clinical testing. Allele origin: germline. Inheritance: Autosomal dominant inheritance. Observed: 1 variant allele, 1 heterozygote.
Comment: This missense variant replaces arginine with tryptophan at codon 1352 of the MYH11 protein. Computational prediction is inconclusive regarding the impact of this variant on protein structure and function (internally defined REVEL score threshold 0.5 < inconclusive < 0.7, PMID: 27666373). To our knowledge, functional studies have not been reported for this variant. This variant has not been reported in individuals affected with MYH11-related disorders in the literature. This variant has been identified in 1/250814 chromosomes in the general population by the Genome Aggregation Database (gnomAD). The available evidence is insufficient to determine the role of this variant in disease conclusively. Therefore, this variant is classified as a Variant of Uncertain Significance.

This study involves interpretation of variants in research participants for the purpose of population health screening. Participant phenotype was not available at the time of variant classification. Additional details can be found in publication PMID: 35346344, PMCID: PMC8962531